The following is an entry in ClinVar:

ClinVar aggregate classification (germline): Pathogenic (1 of 4 stars; one submission).

Submission:

Labcorp Genetics (formerly Invitae), Labcorp
Classification: Pathogenic. Last evaluated: 2023-08-23. Review status: criteria provided, single submitter. Criteria: Invitae Variant Classification Sherloc (09022015). Collection method: clinical testing. Allele origin: germline.
Comment: This variant is not present in population databases (gnomAD no frequency). For these reasons, this variant has been classified as Pathogenic. This variant has not been reported in the literature in individuals affected with COL11A2-related conditions. This sequence change creates a premature translational stop signal (p.Lys732*) in the COL11A2 gene. It is expected to result in an absent or disrupted protein product. Loss-of-function variants in COL11A2 are known to be pathogenic (PMID: 10677296, 21204229).

Literature cited by the submitters: PubMed 10677296; PubMed 21204229.

NM_080680.3(COL11A2):c.2194A>T (p.Lys732Ter)

Gene: COL11A2 (collagen type XI alpha 2 chain; minus strand). Cytogenetic location: 6p21.32.
Variant type: single nucleotide variant.
Coding change: c.2194A>T on transcript NM_080680.3 (MANE Select); coding-DNA position 2194, A replaced by T.
Protein change: p.Lys732Ter; replaces lysine 732 with a stop codon.
Molecular consequence: nonsense.
Genome position (GRCh38, 1-based): chr6:33,176,279, T>A on the plus strand (A>T on the coding strand, the complement: COL11A2 is on the minus strand). VCF-style: chr6-33176279-T-A. GRCh37 (hg19) VCF-style: chr6-33144056-T-A.
Other names: c.2014A>T, p.Lys672Ter (NM_001424108.1); c.1348A>T, p.Lys450Ter (NM_001424109.1); c.1168A>T, p.Lys390Ter (NM_001424110.1, NM_001424111.1); c.148A>T, p.Lys50Ter (NM_001424112.1); c.1873A>T, p.Lys625Ter (NM_080679.3); c.1936A>T, p.Lys646Ter (NM_080681.3); short protein forms K390*, K450*, K625*, K646*, K672*, K50*, K732*.
Identifiers: ClinVar variation 2754549 (VCV002754549.3), dbSNP rs141023125, ClinGen allele CA363649205.